The following is an entry in ClinVar:

ClinVar aggregate classification (germline): Uncertain significance. Review status: criteria provided, multiple submitters, no conflicts (2 of 4 stars). 2 submissions from 2 submitters: Uncertain significance (2). Last evaluated 2023-08-04.

Allele frequency attached by ClinVar (database versions not stated): gnomAD exomes 0.00001; ExAC 0.00002; TOPMed 0.00002.
gnomAD v4.1: 17 of 1,614,212 alleles (0.0011%); highest among the groups gnomAD compares: Non-Finnish European, 0.0014%; no homozygotes.

Submissions (2):

Labcorp Genetics (formerly Invitae), Labcorp
Classification: Uncertain significance. Last evaluated: 2023-08-04. Review status: criteria provided, single submitter. Criteria: Invitae Variant Classification Sherloc (09022015). Collection method: clinical testing. Allele origin: germline.
Comment: In summary, the available evidence is currently insufficient to determine the role of this variant in disease. Therefore, it has been classified as a Variant of Uncertain Significance. Advanced modeling of protein sequence and biophysical properties (such as structural, functional, and spatial information, amino acid conservation, physicochemical variation, residue mobility, and thermodynamic stability) performed at Invitae indicates that this missense variant is not expected to disrupt SYT2 protein function. ClinVar contains an entry for this variant (Variation ID: 426705). This variant has not been reported in the literature in individuals affected with SYT2-related conditions. This variant is present in population databases (rs767415386, gnomAD 0.003%). This sequence change replaces methionine, which is neutral and non-polar, with isoleucine, which is neutral and non-polar, at codon 245 of the SYT2 protein (p.Met245Ile).

GeneDx
Classification: Uncertain significance. Last evaluated: 2017-04-06. Review status: criteria provided, single submitter. Criteria: GeneDx Variant Classification (06012015). Collection method: clinical testing. Allele origin: germline. Affected: yes.
Comment: The M245I variant in the SYT2 gene has not been reported previously as a pathogenic variant, nor as a benign variant, to our knowledge. The M245I variant is observed in 3/66,730 (0.0045%) alleles from individuals of European (non-Finnish) background in the ExAC dataset (Lek et al., 2016). The M245I variant is a conservative amino acid substitution, which is not likely to impact secondary protein structure as these residues share similar properties. While this substitution occurs at a position that is conserved across species, in silico analysis is inconsistent in its predictions as to whether or not the variant is damaging to the protein structure/function. We interpret M245I as a variant of uncertain significance.

NM_177402.5(SYT2):c.735G>A (p.Met245Ile)

Gene: SYT2 (synaptotagmin 2; minus strand). Cytogenetic location: 1q32.1.
Variant type: single nucleotide variant.
Coding change: c.735G>A on transcript NM_177402.5 (MANE Select); coding-DNA position 735, G replaced by A.
Protein change: p.Met245Ile; replaces methionine 245 with isoleucine.
Molecular consequence: missense variant.
Genome position (GRCh38, 1-based): chr1:202,601,956, C>T on the plus strand (G>A on the coding strand, the complement: SYT2 is on the minus strand). VCF-style: chr1-202601956-C-T. GRCh37 (hg19) VCF-style: chr1-202571084-C-T.
Other names: c.735G>A, p.Met245Ile (NM_001136504.1); short protein forms M245I.
Identifiers: ClinVar variation 426705 (VCV000426705.7), dbSNP rs767415386, ClinGen allele CA1333702.